The following is an entry in ClinVar:

NM_031844.3(HNRNPU):c.2122_2124dup (p.Gly708dup)

Gene: HNRNPU (heterogeneous nuclear ribonucleoprotein U; minus strand). Cytogenetic location: 1q44.
Variant type: Duplication.
Coding change: c.2122_2124dup on transcript NM_031844.3 (MANE Select); coding-DNA positions 2122 to 2124, 3 bases duplicated (GGA; older notation c.2122_2124dupGGA).
Protein change: p.Gly708dup; duplicates glycine 708.
Molecular consequence: inframe insertion.
Genome position (GRCh38, 1-based): chr1:244,855,947-244,855,949, TCC duplicated on the plus strand (GGA on the coding strand, the reverse complement: HNRNPU is on the minus strand); duplicating any 3 consecutive bases within chr1:244,855,947-244,855,951 gives the same sequence; the c. name uses the placement nearest the transcript's 3' end. VCF-style (leftmost placement, unchanged base first): chr1-244855946-G-GTCC. GRCh37 (hg19) VCF-style: chr1-245019248-G-GTCC.
Other names: c.2065_2067dup, p.Gly689dup (NM_004501.3).
Identifiers: ClinVar variation 1383559 (VCV001383559.8), dbSNP rs2102985341, ClinGen allele CA2573132955.

ClinVar aggregate classification (germline): Uncertain significance (1 of 4 stars; one submission).

Conditions:
Developmental and epileptic encephalopathy, 54. Also called: HNRNPU-Related Neurodevelopmental Disorder; Epileptic encephalopathy, early infantile, 54. Identifiers: MedGen C4479319, MONDO:0033363, OMIM 617391.

Submission:

Labcorp Genetics (formerly Invitae), Labcorp
Classification: Uncertain significance for Developmental and epileptic encephalopathy, 54. Last evaluated: 2024-10-22. Review status: criteria provided, single submitter. Criteria: Invitae Variant Classification Sherloc (09022015). Collection method: clinical testing. Allele origin: germline.
Comment: This variant, c.2122_2124dup, results in the insertion of 1 amino acid(s) of the HNRNPU protein (p.Gly708dup), but otherwise preserves the integrity of the reading frame. This variant is not present in population databases (gnomAD no frequency). This variant has been observed in individual(s) with epileptic encephalopathy (internal data). ClinVar contains an entry for this variant (Variation ID: 1383559). Experimental studies and prediction algorithms are not available or were not evaluated, and the functional significance of this variant is currently unknown. In summary, the available evidence is currently insufficient to determine the role of this variant in disease. Therefore, it has been classified as a Variant of Uncertain Significance.